The following is an entry in ClinVar:

NM_000373.4(UMPS):c.*4906G>C

Gene: UMPS (uridine monophosphate synthetase; plus strand). Cytogenetic location: 3q21.2.
Variant type: single nucleotide variant.
Coding change: c.*4906G>C on transcript NM_000373.4 (MANE Select); 4906 bases downstream of the stop codon, G replaced by C.
Molecular consequence: 3 prime UTR variant. On other transcripts: non-coding transcript variant (2).
Genome position (GRCh38, 1-based): chr3:124,748,990, G>C. VCF-style: chr3-124748990-G-C. GRCh37 (hg19) VCF-style: chr3-124467837-G-C.
Identifiers: ClinVar variation 343042 (VCV000343042.5), dbSNP rs702039, ClinGen allele CA2582198.

ClinVar aggregate classification (germline): Benign (1 of 4 stars; one submission).

Conditions:
Oroticaciduria. Also called: Orotic aciduria. Identifiers: Orphanet 30, MedGen C0268128, HP:0003218.

Allele frequency attached by ClinVar (database versions not stated): ExAC 0.00186; TOPMed 0.02682; 1000 Genomes Project 0.03355; gnomAD 0.02508; 1000 Genomes Project 30x 0.03373.
gnomAD v4.1: 4,828 of 453,994 alleles (1.1%); highest among the groups gnomAD compares: African/African-American, 8.7%; 178 homozygotes.

Submission:

Illumina Laboratory Services, Illumina
Classification: Benign for Hereditary orotic aciduria. Last evaluated: 2018-01-12. Review status: criteria provided, single submitter. Criteria: ICSL Variant Classification Criteria 13 December 2019. Collection method: clinical testing. Allele origin: germline.
Comment: This variant was observed in the ICSL laboratory as part of a predisposition screen in an ostensibly healthy population. It had not been previously curated by ICSL or reported in the Human Gene Mutation Database (HGMD: prior to June 1st, 2018), and was therefore a candidate for classification through an automated scoring system. Utilizing variant allele frequency, disease prevalence and penetrance estimates, and inheritance mode, an automated score was calculated to assess if this variant is too frequent to cause the disease. Based on the score and internal cut-off values, a variant classified as benign is not then subjected to further curation. The score for this variant resulted in a classification of benign for this disease.